The following is an entry in ClinVar:

NM_000093.5(COL5A1):c.2177del (p.Pro726fs)

Gene: COL5A1 (collagen type V alpha 1 chain; plus strand). Cytogenetic location: 9q34.3.
Variant type: Deletion.
Coding change: c.2177del on transcript NM_000093.5 (MANE Select); coding-DNA position 2177, one base deleted (C; older notation c.2177delC).
Protein change: p.Pro726fs; shifts the reading frame from proline 726.
Molecular consequence: frameshift variant.
Genome position (GRCh38, 1-based): chr9:134,767,043, C deleted; the last of 2 consecutive C bases (chr9:134,767,042-134,767,043); deleting either gives the same sequence. VCF-style (leftmost placement, unchanged base first): chr9-134767041-TC-T. GRCh37 (hg19) VCF-style: chr9-137658887-TC-T.
Other names: c.2177del, p.Pro726fs (NM_001278074.1); short protein forms P726fs.
Identifiers: ClinVar variation 2820510 (VCV002820510.3), dbSNP rs2490664696, ClinGen allele CA2739265211.

ClinVar aggregate classification (germline): Pathogenic (1 of 4 stars; one submission).

Conditions:
Ehlers-Danlos syndrome, classic type, 1 (EDSCL1). Also called: EHLERS-DANLOS SYNDROME, GRAVIS TYPE; EHLERS-DANLOS SYNDROME, SEVERE CLASSIC TYPE; Ehlers-Danlos syndrome, type 1; Ehlers-Danlos Syndrome, Classic Type, COL5A1-Related; EDS I. Identifiers: MedGen C0268335, MONDO:0019567, OMIM 130000.

Submission:

Labcorp Genetics (formerly Invitae), Labcorp
Classification: Pathogenic for Ehlers-Danlos syndrome, classic type, 1. Last evaluated: 2022-12-13. Review status: criteria provided, single submitter. Criteria: Invitae Variant Classification Sherloc (09022015). Collection method: clinical testing. Allele origin: germline.
Comment: This sequence change creates a premature translational stop signal (p.Pro726Glnfs*78) in the COL5A1 gene. It is expected to result in an absent or disrupted protein product. Loss-of-function variants in COL5A1 are known to be pathogenic (PMID: 23587214). This variant is not present in population databases (gnomAD no frequency). This variant has not been reported in the literature in individuals affected with COL5A1-related conditions. For these reasons, this variant has been classified as Pathogenic.

Literature cited by the submitters: PubMed 23587214.